The following is an entry in ClinVar:

NM_198576.4(AGRN):c.1197C>A (p.Cys399Ter)

Gene: AGRN (agrin; plus strand). Cytogenetic location: 1p36.33.
Variant type: single nucleotide variant.
Coding change: c.1197C>A on transcript NM_198576.4 (MANE Select); coding-DNA position 1197, C replaced by A.
Protein change: p.Cys399Ter; replaces cysteine 399 with a stop codon.
Molecular consequence: nonsense.
Genome position (GRCh38, 1-based): chr1:1,041,975, C>A. VCF-style: chr1-1041975-C-A. GRCh37 (hg19) VCF-style: chr1-977355-C-A.
Other names: c.1197C>A, p.Cys399Ter (NM_001305275.2); c.882C>A, p.Cys294Ter (NM_001364727.2); short protein forms C399*, C294*.
Identifiers: ClinVar variation 2749616 (VCV002749616.3), dbSNP rs1377283211, ClinGen allele CA337827611.
Genomic context (GRCh38, chr1:1,041,975, plus strand): 5'-TGCTCCAGCCTCTCCGTGACTCCCTCACCCCTGCGTCCTAGACCAGTGCCCGGAGCCCTG[C>A]CGGTTCAATGCCGTGTGCCTGTCCCGCCGTGGCCGTCCCCGCTGCTCCTGCGACCGCGTC-3'

ClinVar aggregate classification (germline): Pathogenic (1 of 4 stars; one submission).

Conditions:
Congenital myasthenic syndrome 8. Also called: MYASTHENIC SYNDROME, CONGENITAL, DUE TO AGRIN DEFICIENCY; Myasthenic syndrome, congenital, 8, with pre- and postsynaptic defects. Identifiers: Orphanet 590, MedGen C3808739, MONDO:0014052, OMIM 615120.

Submission:

Labcorp Genetics (formerly Invitae), Labcorp
Classification: Pathogenic for Congenital myasthenic syndrome 8. Last evaluated: 2023-09-06. Review status: criteria provided, single submitter. Criteria: Invitae Variant Classification Sherloc (09022015). Collection method: clinical testing. Allele origin: germline.
Comment: For these reasons, this variant has been classified as Pathogenic. This variant has not been reported in the literature in individuals affected with AGRN-related conditions. This variant is not present in population databases (gnomAD no frequency). This sequence change creates a premature translational stop signal (p.Cys399*) in the AGRN gene. It is expected to result in an absent or disrupted protein product. Loss-of-function variants in AGRN are known to be pathogenic (PMID: 24951643).

Literature cited by the submitters: PubMed 24951643.